The following is an entry in ClinVar:

ClinVar aggregate classification (germline): Likely benign (1 of 4 stars; one submission).

Allele frequency attached by ClinVar (database versions not stated): TOPMed 0.00277; gnomAD 0.00279; 1000 Genomes Project 0.00280; 1000 Genomes Project 30x 0.00312; ESP Exome Variant Server 0.00323; ExAC 0.00387; gnomAD exomes 0.00436.
gnomAD v4.1: 6,758 of 1,604,056 alleles (0.42%); highest among the groups gnomAD compares: South Asian, 0.96%; 26 homozygotes.

Submission:

CeGaT Center for Human Genetics Tuebingen
Classification: Likely benign. Last evaluated: 2023-05-01. Review status: criteria provided, single submitter. Criteria: CeGaT Center For Human Genetics Tuebingen Variant Classification Criteria Version 2. Collection method: clinical testing. Allele origin: germline. Affected: yes. Observed: 1 variant allele.
Comment: RSL1D1: BP4, BS2

NM_015659.3(RSL1D1):c.384+7A>T

Gene: RSL1D1 (ribosomal L1 domain containing 1; minus strand). Cytogenetic location: 16p13.13.
Variant type: single nucleotide variant.
Coding change: c.384+7A>T on transcript NM_015659.3 (MANE Select); 7 bases into the intron after coding-DNA position 384, A replaced by T.
Molecular consequence: intron variant.
Genome position (GRCh38, 1-based): chr16:11,847,661, T>A on the plus strand (A>T on the coding strand, the complement: RSL1D1 is on the minus strand). VCF-style: chr16-11847661-T-A. GRCh37 (hg19) VCF-style: chr16-11941518-T-A.
Identifiers: ClinVar variation 2646231 (VCV002646231.24), dbSNP rs71383294, ClinGen allele CA7906598.
Genomic context (GRCh38, chr16:11,847,661, plus strand): 5'-TTTGTGATACCATTTCGCCTGAATTAAATCCTCTAAATAACTTGAAAATATTAACCAGGC[T>A]TCCTACCTGAGAAACGGTTTTAATTCCATGCTTGTTTAAAAGCTTTCTATAAAACTGTTC-3'